The following is an entry in ClinVar:

NM_001135998.3(NDUFB11):c.282C>T (p.Gly94=)

Gene: NDUFB11 (NADH:ubiquinone oxidoreductase subunit B11; minus strand). Cytogenetic location: Xp11.3.
Variant type: single nucleotide variant.
Coding change: c.282C>T on transcript NM_001135998.3 (MANE Select); coding-DNA position 282, C replaced by T.
Protein change: p.Gly94=; no amino-acid change (glycine 94 retained).
Molecular consequence: synonymous variant.
Genome position (GRCh38, 1-based): chrX:47,142,670, G>A on the plus strand (C>T on the coding strand, the complement: NDUFB11 is on the minus strand). VCF-style: chrX-47142670-G-A. GRCh37 (hg19) VCF-style: chrX-47002069-G-A.
Other names: c.282C>T, p.Gly94= (NM_019056.7).
Identifiers: ClinVar variation 2691430 (VCV002691430.5), dbSNP rs782242022, ClinGen allele CA10394913.

ClinVar aggregate classification (germline): Likely benign. Review status: criteria provided, multiple submitters, no conflicts (2 of 4 stars). 3 submissions from 3 submitters: Likely benign (3). Last evaluated 2023-12-27.

Allele frequency attached by ClinVar (database versions not stated): gnomAD 0.00001; gnomAD exomes 0.00001; ExAC 0.00002; TOPMed 0.00002.
gnomAD v4.1: 7 of 1,210,184 alleles (0.00058%); highest among the groups gnomAD compares: Admixed American, 0.0087%; no homozygotes.

Submissions (3):

Women's Health and Genetics/Laboratory Corporation of America, LabCorp
Classification: Likely benign. Last evaluated: 2023-12-27. Review status: criteria provided, single submitter. Criteria: LabCorp Variant Classification Summary - May 2015. Collection method: clinical testing. Allele origin: germline.
Comment: Variant summary: NDUFB11 c.282C>T alters a non-conserved nucleotide resulting in a synonymous change. Consensus agreement among computation tools predict no significant impact on normal splicing. However, these predictions have yet to be confirmed by functional studies. The variant allele was found at a frequency of 2.7e-05 in 183413 control chromosomes in the gnomAD database (v2.1 dataset), including one hemizygote. The available data on variant occurrences in the general population are insufficient to allow any conclusion about variant significance. To our knowledge, no occurrence of c.282C>T in individuals affected with NDUFB11-Related Disorders and no experimental evidence demonstrating its impact on protein function have been reported. No submitters have cited clinical-significance assessments for this variant to ClinVar after 2014. Based on the evidence outlined above, the variant was classified as likely benign.

Labcorp Genetics (formerly Invitae), Labcorp
Classification: Likely benign. Last evaluated: 2023-11-27. Review status: criteria provided, single submitter. Criteria: Invitae Variant Classification Sherloc (09022015). Collection method: clinical testing. Allele origin: germline.

Blueprint Genetics
Classification: Likely benign. Last evaluated: 2019-09-13. Review status: criteria provided, single submitter. Criteria: ACMG Guidelines, 2015. Collection method: clinical testing. Allele origin: germline.